The following is an entry in ClinVar:

NM_001148.6(ANK2):c.8866T>C (p.Ser2956Pro)

Gene: ANK2 (ankyrin 2; plus strand). Cytogenetic location: 4q26.
Variant type: single nucleotide variant.
Coding change: c.8866T>C on transcript NM_001148.6 (MANE Select); coding-DNA position 8866, T replaced by C.
Protein change: p.Ser2956Pro; replaces serine 2956 with proline.
Molecular consequence: missense variant. On other transcripts: intron variant (68).
Genome position (GRCh38, 1-based): chr4:113,357,484, T>C. VCF-style: chr4-113357484-T-C. GRCh37 (hg19) VCF-style: chr4-114278640-T-C.
Other names: c.8632T>C, p.Ser2878Pro (NM_001386142.1); c.5266T>C, p.Ser1756Pro (NM_001386166.1); c.9007T>C, p.Ser3003Pro (NM_001386174.1); c.8983T>C, p.Ser2995Pro (NM_001386175.1); c.4412-3339T>C (NM_001386186.2, NM_001386148.2); c.4214-3339T>C (NM_001354269.3); c.4292-3339T>C (NM_001386187.2); c.4253-3339T>C (NM_001386147.1); and 35 more; short protein forms S1756P, S2878P, S2956P, S2995P, S3003P.
Identifiers: ClinVar variation 3031495 (VCV003031495.2), dbSNP rs2505902048, ClinGen allele CA357935713.

ClinVar aggregate classification (germline): Uncertain significance (0 of 4 stars; one submission).

Conditions:
ANK2-related disorder. Also called: ANK2-related condition.

Allele frequency attached by ClinVar (database versions not stated): gnomAD exomes below 0.00001.
gnomAD v4.1: 1 of 1,614,162 alleles (0.000062%); highest among the groups gnomAD compares: South Asian, 0.0011%; no homozygotes.

Submission:

PreventionGenetics, part of Exact Sciences
Classification: Uncertain significance for ANK2-related condition. Last evaluated: 2023-12-28. Review status: no assertion criteria provided. Collection method: clinical testing. Allele origin: germline.
Comment: The ANK2 c.8866T>C variant is predicted to result in the amino acid substitution p.Ser2956Pro. To our knowledge, this variant has not been reported in the literature or in a large population database, indicating this variant is rare. At this time, the clinical significance of this variant is uncertain due to the absence of conclusive functional and genetic evidence.